The following is an entry in ClinVar:

NM_152703.5(SAMD9L):c.538C>T (p.His180Tyr)

Gene: SAMD9L (sterile alpha motif domain containing 9 like; minus strand). Cytogenetic location: 7q21.2.
Variant type: single nucleotide variant.
Coding change: c.538C>T on transcript NM_152703.5 (MANE Select); coding-DNA position 538, C replaced by T.
Protein change: p.His180Tyr; replaces histidine 180 with tyrosine.
Molecular consequence: missense variant.
Genome position (GRCh38, 1-based): chr7:93,135,434, G>A on the plus strand (C>T on the coding strand, the complement: SAMD9L is on the minus strand). VCF-style: chr7-93135434-G-A. GRCh37 (hg19) VCF-style: chr7-92764747-G-A.
Other names: c.538C>T, p.His180Tyr (NM_001303496.3, NM_001303497.3, NM_001303498.3 and 5 more transcripts); c.538C>T (NM_152703.2, NM_152703.3); short protein forms H180Y.
Identifiers: ClinVar variation 1901667 (VCV001901667.7), dbSNP rs772603240, ClinGen allele CA4343852.

ClinVar aggregate classification (germline): Uncertain significance. Review status: criteria provided, multiple submitters, no conflicts (2 of 4 stars). 3 submissions from 3 submitters: Uncertain significance (3). Last evaluated 2025-04-23.

Conditions:
Inborn genetic diseases. Identifiers: MedGen C0950123, MeSH D030342.

Allele frequency attached by ClinVar (database versions not stated): gnomAD exomes below 0.00001; ExAC 0.00001.
gnomAD v4.1: 5 of 1,614,138 alleles (0.00031%); highest among the groups gnomAD compares: Admixed American, 0.0017%; no homozygotes.

Submissions (3):

Labcorp Genetics (formerly Invitae), Labcorp
Classification: Uncertain significance. Last evaluated: 2025-04-23. Review status: criteria provided, single submitter. Criteria: Invitae Variant Classification Sherloc (09022015). Collection method: clinical testing. Allele origin: germline.
Comment: This sequence change replaces histidine, which is basic and polar, with tyrosine, which is neutral and polar, at codon 180 of the SAMD9L protein (p.His180Tyr). This variant is present in population databases (rs772603240, gnomAD 0.003%). This variant has not been reported in the literature in individuals affected with SAMD9L-related conditions. ClinVar contains an entry for this variant (Variation ID: 1901667). An algorithm developed to predict the effect of missense changes on protein structure and function (PolyPhen-2) suggests that this variant is likely to be tolerated. In summary, the available evidence is currently insufficient to determine the role of this variant in disease. Therefore, it has been classified as a Variant of Uncertain Significance.

GeneDx
Classification: Uncertain significance. Last evaluated: 2025-01-27. Review status: criteria provided, single submitter. Criteria: GeneDx Variant Classification Process June 2021. Collection method: clinical testing. Allele origin: germline. Affected: yes.
Comment: Not observed at significant frequency in large population cohorts (gnomAD); In silico analysis indicates that this missense variant does not alter protein structure/function; Has not been previously published as pathogenic or benign to our knowledge

Ambry Genetics
Classification: Uncertain significance for Inborn genetic diseases. Last evaluated: 2024-12-29. Review status: criteria provided, single submitter. Criteria: Ambry Variant Classification Scheme 2023. Collection method: clinical testing. Allele origin: germline.
Comment: The p.H180Y variant (also known as c.538C>T), located in coding exon 1 of the SAMD9L gene, results from a C to T substitution at nucleotide position 538. The histidine at codon 180 is replaced by tyrosine, an amino acid with similar properties. This amino acid position is conserved. In addition, this alteration is predicted to be tolerated by in silico analysis. Based on the available evidence, the clinical significance of this variant remains unclear.